The following is an entry in ClinVar:

NM_004415.4(DSP):c.2575A>G (p.Lys859Glu)

Gene: DSP (desmoplakin; plus strand). Cytogenetic location: 6p24.3.
Variant type: single nucleotide variant.
Coding change: c.2575A>G on transcript NM_004415.4 (MANE Select); coding-DNA position 2575, A replaced by G.
Protein change: p.Lys859Glu; replaces lysine 859 with glutamic acid.
Molecular consequence: missense variant.
Genome position (GRCh38, 1-based): chr6:7,575,433, A>G. VCF-style: chr6-7575433-A-G. GRCh37 (hg19) VCF-style: chr6-7575666-A-G.
Other names: c.2575A>G, p.Lys859Glu (NM_001008844.3, NM_001319034.2); short protein forms K859E.
Identifiers: ClinVar variation 918369 (VCV000918369.12), dbSNP rs1759209975, ClinGen allele CA362681643.
Genomic context (GRCh38, chr6:7,575,433, plus strand): 5'-CACTCTCAGACTTCACAGCAGTATCCACTTTATGATCTGGACTTGGGCAAGTTCGGTGAA[A>G]AAGTCACACAGCTGACAGACCGCTGGCAAAGGATAGATAAACAGATCGACTTTAGGTATG-3'
Protein context (NP_004406.2, residues 849-869): YDLDLGKFGE[Lys859Glu]VTQLTDRWQR

ClinVar aggregate classification (germline): Conflicting classifications of pathogenicity. Review status: criteria provided, conflicting classifications (1 of 4 stars). 4 submissions from 4 submitters: Uncertain significance (3); Likely benign (1). Last evaluated 2025-12-09.

Conditions:
Arrhythmogenic cardiomyopathy with wooly hair and keratoderma. Also called: PALMOPLANTAR KERATODERMA WITH LEFT VENTRICULAR CARDIOMYOPATHY AND WOOLLY HAIR; Carvajal syndrome; Dilated cardiomyopathy with woolly hair and keratoderma; Arrhythmogenic cardiomyopathy with woolly hair and keratoderma. Identifiers: Orphanet 65282, MedGen C1854063, MONDO:0011581, OMIM 605676.
Arrhythmogenic right ventricular dysplasia 8 (ARVD8). Also called: Arrhythmogenic Right Ventricular Dysplasia/Cardiomyopathy 8; ARRHYTHMOGENIC RIGHT VENTRICULAR DYSPLASIA, FAMILIAL, 8; ARRHYTHMOGENIC RIGHT VENTRICULAR CARDIOMYOPATHY 8. Identifiers: MedGen C1843896, MONDO:0011831, OMIM 607450.
Cardiomyopathy (CMYO). Also called: Cardiomyopathies. Identifiers: Orphanet 167848, MedGen C0878544, MONDO:0004994, HP:0001638. Inheritance: Various modes of inheritance.
Cardiovascular phenotype. Identifiers: MedGen CN230736.

Submissions (4):

Labcorp Genetics (formerly Invitae), Labcorp
Classification: Uncertain significance for Arrhythmogenic cardiomyopathy with wooly hair and keratoderma; Arrhythmogenic right ventricular dysplasia 8. Last evaluated: 2025-12-09. Review status: criteria provided, single submitter. Criteria: Invitae Variant Classification Sherloc (09022015). Collection method: clinical testing. Allele origin: germline.
Comment: This sequence change replaces lysine, which is basic and polar, with glutamic acid, which is acidic and polar, at codon 859 of the DSP protein (p.Lys859Glu). This variant is not present in population databases (gnomAD no frequency). This variant has not been reported in the literature in individuals affected with DSP-related conditions. ClinVar contains an entry for this variant (Variation ID: 918369). An algorithm developed to predict the effect of missense changes on protein structure and function (PolyPhen-2) suggests that this variant is likely to be disruptive. In summary, the available evidence is currently insufficient to determine the role of this variant in disease. Therefore, it has been classified as a Variant of Uncertain Significance.

Color Diagnostics, LLC DBA Color Health
Classification: Likely benign for Cardiomyopathy. Last evaluated: 2025-06-24. Review status: criteria provided, single submitter. Criteria: ACMG Guidelines, 2015. Collection method: clinical testing. Allele origin: germline.

Ambry Genetics
Classification: Uncertain significance for Cardiovascular phenotype. Last evaluated: 2024-06-26. Review status: criteria provided, single submitter. Criteria: Ambry Variant Classification Scheme 2023. Collection method: clinical testing. Allele origin: germline.
Comment: The p.K859E variant (also known as c.2575A>G), located in coding exon 18 of the DSP gene, results from an A to G substitution at nucleotide position 2575. The lysine at codon 859 is replaced by glutamic acid, an amino acid with similar properties. This amino acid position is not well conserved in available vertebrate species. In addition, this alteration is predicted to be tolerated by in silico analysis. Based on the available evidence, the clinical significance of this variant remains unclear.

All of Us Research Program, National Institutes of Health
Classification: Uncertain significance for Arrhythmogenic cardiomyopathy with wooly hair and keratoderma. Last evaluated: 2023-06-26. Review status: criteria provided, single submitter. Criteria: ACMG Guidelines, 2015. Collection method: clinical testing. Allele origin: germline. Inheritance: Autosomal dominant inheritance. Observed: 1 variant allele, 1 heterozygote.
Comment: This missense variant replaces lysine with glutamic acid at codon 859 of the DSP protein. Computational prediction suggests that this variant may not impact protein structure and function (internally defined REVEL score threshold <= 0.5, PMID: 27666373). To our knowledge, functional studies have not been reported for this variant. This variant has not been reported in individuals affected with DSP-related disorders in the literature. This variant has not been identified in the general population by the Genome Aggregation Database (gnomAD). The available evidence is insufficient to determine the role of this variant in disease conclusively. Therefore, this variant is classified as a Variant of Uncertain Significance.

This study involves interpretation of variants in research participants for the purpose of population health screening. Participant phenotype was not available at the time of variant classification. Additional details can be found in publication PMID: 35346344, PMCID: PMC8962531